The following is an entry in ClinVar:

NM_015046.7(SETX):c.*1288T>C

Gene: SETX (senataxin; minus strand). Cytogenetic location: 9q34.13.
Variant type: single nucleotide variant.
Coding change: c.*1288T>C on transcript NM_015046.7 (MANE Select); 1288 bases downstream of the stop codon, T replaced by C.
Molecular consequence: 3 prime UTR variant.
Genome position (GRCh38, 1-based): chr9:132,262,951, A>G on the plus strand (T>C on the coding strand, the complement: SETX is on the minus strand). VCF-style: chr9-132262951-A-G. GRCh37 (hg19) VCF-style: chr9-135138338-A-G.
Other names: c.*1288T>C (NM_001351527.2, NM_001351528.2).
Identifiers: ClinVar variation 365319 (VCV000365319.5), dbSNP rs72765812, ClinGen allele CA10626619.

ClinVar aggregate classification (germline): Benign. Review status: criteria provided, single submitter (1 of 4 stars). 2 submissions from 1 submitter: Benign (2). Last evaluated 2018-01-13.

Conditions:
Amyotrophic lateral sclerosis type 4 (ALS4). Also called: AMYOTROPHIC LATERAL SCLEROSIS 4, JUVENILE; NEURONOPATHY, DISTAL HEREDITARY MOTOR, WITH PYRAMIDAL FEATURES. Identifiers: Orphanet 357043, MedGen C1865409, MONDO:0011223, OMIM 602433.
Spinocerebellar ataxia, autosomal recessive, with axonal neuropathy 2 (SCAN2). Also called: ATAXIA-OCULOMOTOR APRAXIA 2; Ataxia-ocular apraxia-2; Ataxia with Oculomotor Apraxia; Ataxia with Oculomotor Apraxia Type 2. Identifiers: Orphanet 64753, MedGen C1853761, MONDO:0018996, OMIM 606002.

Allele frequency attached by ClinVar (database versions not stated): 1000 Genomes Project 0.01058; 1000 Genomes Project 30x 0.01062; TOPMed 0.01591; gnomAD 0.01631 and 0.01645.

Submissions (2):

Illumina Laboratory Services, Illumina
Classification: Benign for Amyotrophic lateral sclerosis type 4. Last evaluated: 2018-01-13. Review status: criteria provided, single submitter. Criteria: ICSL Variant Classification Criteria 13 December 2019. Collection method: clinical testing. Allele origin: germline.
Comment: This variant was observed in the ICSL laboratory as part of a predisposition screen in an ostensibly healthy population. It had not been previously curated by ICSL or reported in the Human Gene Mutation Database (HGMD: prior to June 1st, 2018), and was therefore a candidate for classification through an automated scoring system. Utilizing variant allele frequency, disease prevalence and penetrance estimates, and inheritance mode, an automated score was calculated to assess if this variant is too frequent to cause the disease. Based on the score and internal cut-off values, a variant classified as benign is not then subjected to further curation. The score for this variant resulted in a classification of benign for this disease.

Illumina Laboratory Services, Illumina
Classification: Benign for Spinocerebellar ataxia, autosomal recessive, with axonal neuropathy 2. Last evaluated: 2018-01-13. Review status: criteria provided, single submitter. Criteria: ICSL Variant Classification Criteria 13 December 2019. Collection method: clinical testing. Allele origin: germline.
Comment: the same text as in the submission from Illumina Laboratory Services, Illumina above.